The following is an entry in ClinVar:

ClinVar aggregate classification (germline): Pathogenic (1 of 4 stars; one submission).

Conditions:
Alveolar capillary dysplasia with pulmonary venous misalignment. Also called: ALVEOLAR CAPILLARY DYSPLASIA WITH MISALIGNMENT OF PULMONARY VEINS AND OTHER CONGENITAL ANOMALIES; Congenital alveolar capillary dysplasia; Alveolar capillary dysplasia with misalignment of pulmonary veins. Identifiers: Orphanet 210122, MedGen C2960310, MONDO:0009934, OMIM 265380.

Submission:

Rady Children's Institute for Genomic Medicine, Rady Children's Hospital San Diego
Classification: Pathogenic for ALVEOLAR CAPILLARY DYSPLASIA WITH MISALIGNMENT OF PULMONARY VEINS. Review status: criteria provided, single submitter. Criteria: ACMG Guidelines, 2015. Collection method: clinical testing. Allele origin: germline. Affected: yes.
Comment: This nonsense variant found in exon 1 of 2 is predicted to result in loss of normal protein function through either protein truncation or nonsense-mediated mRNA decay (NMD). This variant has not been previously reported or functionally characterized in the literature to our knowledge. Loss-of-function variation in FOXF1 is an established mechanism of disease (PMID: 23505205). The c.797C>A (p.Ser266Ter) variant is absent from the gnomAD population database and thus is presumed to be rare. Analysis of the parental samples was negative for the variant, indicating this variant likely occurred as a de novo event. Based on the available evidence, the c.797C>A (p.Ser266Ter) variant is classified as Pathogenic.

NM_001451.3(FOXF1):c.797C>A (p.Ser266Ter)

Gene: FOXF1 (forkhead box F1; plus strand). Cytogenetic location: 16q24.1.
Variant type: single nucleotide variant.
Coding change: c.797C>A on transcript NM_001451.3 (MANE Select); coding-DNA position 797, C replaced by A.
Protein change: p.Ser266Ter; replaces serine 266 with a stop codon.
Molecular consequence: nonsense.
Genome position (GRCh38, 1-based): chr16:86,511,366, C>A. VCF-style: chr16-86511366-C-A. GRCh37 (hg19) VCF-style: chr16-86544972-C-A.
Other names: short protein forms S266*.
Identifiers: ClinVar variation 2584476 (VCV002584476.1), dbSNP rs1030195503, ClinGen allele CA397008317.